The following is an entry in ClinVar:

NM_001375567.1(FOCAD):c.892G>T (p.Glu298Ter)

Gene: FOCAD (focadhesin; plus strand). Cytogenetic location: 9p21.3.
Variant type: single nucleotide variant.
Coding change: c.892G>T on transcript NM_001375567.1 (MANE Select); coding-DNA position 892, G replaced by T.
Protein change: p.Glu298Ter; replaces glutamic acid 298 with a stop codon.
Molecular consequence: nonsense.
Genome position (GRCh38, 1-based): chr9:20,770,224, G>T. VCF-style: chr9-20770224-G-T. GRCh37 (hg19) VCF-style: chr9-20770223-G-T.
Other names: c.892G>T, p.Glu298Ter (NM_001375568.1, NM_017794.5); c.787G>T, p.Glu263Ter (NM_001375570.1); short protein forms E298*, E263*.
Identifiers: ClinVar variation 3643351 (VCV003643351.2).

ClinVar aggregate classification (germline): Uncertain significance (1 of 4 stars; one submission).

gnomAD v4.1: 1 of 1,613,824 alleles (0.000062%); highest among the groups gnomAD compares: South Asian, 0.0011%; no homozygotes.

Submission:

Labcorp Genetics (formerly Invitae), Labcorp
Classification: Uncertain significance. Last evaluated: 2024-02-26. Review status: criteria provided, single submitter. Criteria: Invitae Variant Classification Sherloc (09022015). Collection method: clinical testing. Allele origin: germline.
Comment: This sequence change creates a premature translational stop signal (p.Glu298*) in the FOCAD gene. It is expected to result in an absent or disrupted protein product. However, the current clinical and genetic evidence is not sufficient to establish whether loss-of-function variants in FOCAD cause disease. This variant is not present in population databases (gnomAD no frequency). This variant has not been reported in the literature in individuals affected with FOCAD-related conditions. In summary, the available evidence is currently insufficient to determine the role of this variant in disease. Therefore, it has been classified as a Variant of Uncertain Significance.